The following is an entry in ClinVar:

ClinVar aggregate classification (germline): Uncertain significance. Review status: criteria provided, multiple submitters, no conflicts (2 of 4 stars). 2 submissions from 2 submitters: Uncertain significance (2). Last evaluated 2026-04-11.

Conditions:
Legius syndrome. Identifiers: Orphanet 137605, MedGen C1969623, MONDO:0012669, OMIM 611431. Disease mechanism: loss of function.

Allele frequency attached by ClinVar (database versions not stated): TOPMed below 0.00001.
gnomAD v4.1: 5 of 1,613,920 alleles (0.00031%); highest among the groups gnomAD compares: South Asian, 0.0011%; no homozygotes.

Submissions (2):

GeneDx
Classification: Uncertain significance. Last evaluated: 2026-04-11. Review status: criteria provided, single submitter. Criteria: GeneDx Variant Classification Process June 2021. Collection method: clinical testing. Allele origin: germline.
Comment: Not observed at significant frequency in large population cohorts (gnomAD); In silico analysis suggests that this missense variant does not alter protein structure/function; Observed with an additional variant in SPRED1 in an individual with cafe-au-lait macules and freckling in the published literature (PMID: 39031930); This variant is associated with the following publications: (PMID: 39031930)

Labcorp Genetics (formerly Invitae), Labcorp
Classification: Uncertain significance for Legius syndrome. Last evaluated: 2025-02-17. Review status: criteria provided, single submitter. Criteria: Invitae Variant Classification Sherloc (09022015). Collection method: clinical testing. Allele origin: germline.
Comment: This sequence change replaces arginine, which is basic and polar, with cysteine, which is neutral and slightly polar, at codon 256 of the SPRED1 protein (p.Arg256Cys). This variant is present in population databases (no rsID available, gnomAD 0.003%). This variant has not been reported in the literature in individuals affected with SPRED1-related conditions. ClinVar contains an entry for this variant (Variation ID: 2042043). Invitae Evidence Modeling of protein sequence and biophysical properties (such as structural, functional, and spatial information, amino acid conservation, physicochemical variation, residue mobility, and thermodynamic stability) indicates that this missense variant is not expected to disrupt SPRED1 protein function with a negative predictive value of 80%. In summary, the available evidence is currently insufficient to determine the role of this variant in disease. Therefore, it has been classified as a Variant of Uncertain Significance.

NM_152594.3(SPRED1):c.766C>T (p.Arg256Cys)

Gene: SPRED1 (sprouty related EVH1 domain containing 1; plus strand). Cytogenetic location: 15q14.
Variant type: single nucleotide variant.
Coding change: c.766C>T on transcript NM_152594.3 (MANE Select); coding-DNA position 766, C replaced by T.
Protein change: p.Arg256Cys; replaces arginine 256 with cysteine.
Molecular consequence: missense variant.
Genome position (GRCh38, 1-based): chr15:38,351,095, C>T. VCF-style: chr15-38351095-C-T. GRCh37 (hg19) VCF-style: chr15-38643296-C-T.
Other names: c.766C>T (NM_152594.2); short protein forms R256C.
Identifiers: ClinVar variation 2042043 (VCV002042043.5), dbSNP rs1331443136, ClinGen allele CA391933193.